The following is an entry in ClinVar:

NM_006351.4(TIMM44):c.804C>T (p.Ser268=)

Gene: TIMM44 (translocase of inner mitochondrial membrane 44; minus strand). Cytogenetic location: 19p13.2.
Variant type: single nucleotide variant.
Coding change: c.804C>T on transcript NM_006351.4 (MANE Select); coding-DNA position 804, C replaced by T.
Protein change: p.Ser268=; no amino-acid change (serine 268 retained).
Molecular consequence: synonymous variant.
Genome position (GRCh38, 1-based): chr19:7,932,898, G>A on the plus strand (C>T on the coding strand, the complement: TIMM44 is on the minus strand). VCF-style: chr19-7932898-G-A. GRCh37 (hg19) VCF-style: chr19-7997783-G-A.
Identifiers: ClinVar variation 379185 (VCV000379185.1), dbSNP rs376804397, ClinGen allele CA9149704.

ClinVar aggregate classification (germline): Benign (1 of 4 stars; one submission).

Allele frequency attached by ClinVar (database versions not stated): ExAC 0.00007; ESP Exome Variant Server 0.00008; gnomAD exomes 0.00009 and 0.00032; gnomAD 0.00015 and 0.00017; TOPMed 0.00017.
gnomAD v4.1: 473 of 1,614,076 alleles (0.029%); highest among the groups gnomAD compares: Non-Finnish European, 0.039%; no homozygotes.

Submission:

GeneDx
Classification: Benign. Last evaluated: 2015-03-20. Review status: criteria provided, single submitter. Criteria: GeneDx Variant Classification (06012015). Collection method: clinical testing. Allele origin: germline. Affected: yes.
Comment: This variant is considered likely benign or benign based on one or more of the following criteria: it is a conservative change, it occurs at a poorly conserved position in the protein, it is predicted to be benign by multiple in silico algorithms, and/or has population frequency not consistent with disease.